The following is an entry in ClinVar:

NM_000432.4(MYL2):c.223G>A (p.Gly75Ser)

Gene: MYL2 (myosin light chain 2; minus strand). Cytogenetic location: 12q24.11.
Variant type: single nucleotide variant.
Coding change: c.223G>A on transcript NM_000432.4 (MANE Select); coding-DNA position 223, G replaced by A.
Protein change: p.Gly75Ser; replaces glycine 75 with serine.
Molecular consequence: missense variant.
Genome position (GRCh38, 1-based): chr12:110,914,237, C>T on the plus strand (G>A on the coding strand, the complement: MYL2 is on the minus strand). VCF-style: chr12-110914237-C-T. GRCh37 (hg19) VCF-style: chr12-111352041-C-T.
Other names: c.181G>A, p.Gly61Ser (NM_001406745.1); c.166G>A, p.Gly56Ser (NM_001406916.1); short protein forms G56S, G61S, G75S.
Identifiers: ClinVar variation 4685643 (VCV004685643.1).
Genomic context (GRCh38, chr12:110,914,237, plus strand): 5'-CGACCTTACCCTTAAGTTTCTCCCCAAACATTGTGAGGAACACAGTAAAGTTAATTGGAC[C>T]CGGAGCCTCCTTGATCATTTCATCAATTTCTTCATTTTTCACGTTCACTCGCCCTAGGGT-3'
Protein context (NP_000423.2, residues 65-85): EIDEMIKEAP[Gly75Ser]PINFTVFLTM

ClinVar aggregate classification (germline): Uncertain significance (1 of 4 stars; one submission).

Submission:

ARUP Laboratories, Molecular Genetics and Genomics, ARUP Laboratories
Classification: Uncertain significance. Last evaluated: 2025-02-25. Review status: criteria provided, single submitter. Criteria: ARUP Molecular Germline Variant Investigation Process 2024. Collection method: clinical testing. Allele origin: germline.
Comment: The MYL2 c.223G>A; p.Gly75Ser variant (rs1309076129), to our knowledge, is not reported in the medical literature or gene specific databases. This variant is only observed on one allele in the Genome Aggregation Database (v2.1.1), indicating it is not a common polymorphism. Computational analyses predict that this variant is deleterious (REVEL: 0.782). Due to limited information, the clinical significance of this variant is uncertain at this time.